The following is an entry in ClinVar:

NM_003803.4(MYOM1):c.4993A>G (p.Ile1665Val)

Gene: MYOM1 (myomesin 1; minus strand). Cytogenetic location: 18p11.31.
Variant type: single nucleotide variant.
Coding change: c.4993A>G on transcript NM_003803.4 (MANE Select); coding-DNA position 4993, A replaced by G.
Protein change: p.Ile1665Val; replaces isoleucine 1665 with valine.
Molecular consequence: missense variant.
Genome position (GRCh38, 1-based): chr18:3,067,327, T>C on the plus strand (A>G on the coding strand, the complement: MYOM1 is on the minus strand). VCF-style: chr18-3067327-T-C. GRCh37 (hg19) VCF-style: chr18-3067325-T-C.
Other names: c.4705A>G, p.Ile1569Val (NM_019856.2); short protein forms I1569V, I1665V.
Identifiers: ClinVar variation 2562751 (VCV002562751.2), dbSNP rs1567886211, ClinGen allele CA401704859.

ClinVar aggregate classification (germline): Uncertain significance (1 of 4 stars; one submission).

Allele frequency attached by ClinVar (database versions not stated): gnomAD exomes below 0.00001.
gnomAD v4.1: 1 of 1,611,992 alleles (0.000062%); highest among the groups gnomAD compares: South Asian, 0.0011%; no homozygotes.

Submission:

Ambry Genetics
Classification: Uncertain significance. Last evaluated: 2023-06-14. Review status: criteria provided, single submitter. Criteria: Ambry Variant Classification Scheme 2023. Collection method: clinical testing. Allele origin: germline.
Comment: The p.I1665V variant (also known as c.4993A>G), located in coding exon 37 of the MYOM1 gene, results from an A to G substitution at nucleotide position 4993. The isoleucine at codon 1665 is replaced by valine, an amino acid with highly similar properties. This amino acid position is conserved. In addition, this alteration is predicted to be tolerated by in silico analysis. Since supporting evidence is limited at this time, the clinical significance of this alteration remains unclear.